The following is an entry in ClinVar:

ClinVar aggregate classification (germline): Likely benign (0 of 4 stars; one submission).

Conditions:
GAA-related disorder. Also called: GAA-related condition.

Submission:

PreventionGenetics, part of Exact Sciences
Classification: Likely benign for GAA-related condition. Last evaluated: 2021-03-22. Review status: no assertion criteria provided. Collection method: clinical testing. Allele origin: germline.
Comment: This variant is classified as likely benign based on ACMG/AMP sequence variant interpretation guidelines (Richards et al. 2015 PMID: 25741868, with internal and published modifications).

NM_000152.5(GAA):c.1888+11A>C

Gene: GAA (alpha glucosidase; plus strand). Cytogenetic location: 17q25.3.
Variant type: single nucleotide variant.
Coding change: c.1888+11A>C on transcript NM_000152.5 (MANE Select); 11 bases into the intron after coding-DNA position 1888, A replaced by C.
Molecular consequence: intron variant.
Genome position (GRCh38, 1-based): chr17:80,112,722, A>C. VCF-style: chr17-80112722-A-C. GRCh37 (hg19) VCF-style: chr17-78086521-A-C.
Other names: c.1888+11A>C (NM_001406741.1, NM_001406742.1, NM_001079803.3 and 1 more transcripts).
Identifiers: ClinVar variation 3054685 (VCV003054685.2), dbSNP rs2510381937, ClinGen allele CA2576414177.